The following is an entry in ClinVar:

ClinVar aggregate classification (germline): Uncertain significance (1 of 4 stars; one submission).

Conditions:
Leigh syndrome (NULS). Also called: Leigh Disease; Subacute necrotizing encephalopathy; Necrotizing encephalopathy infantile subacute of Leigh; LEIGH SYNDROME, NUCLEAR; Leigh's necrotizing encephalopathy; Leigh's disease. Identifiers: Orphanet 506, MedGen C2931891, MONDO:0009723, OMIM 256000.

Allele frequency attached by ClinVar (database versions not stated): gnomAD exomes 0.00001.
gnomAD v4.1: 17 of 1,424,832 alleles (0.0012%); highest among the groups gnomAD compares: Non-Finnish European, 0.0015%; no homozygotes.

Submission:

Victorian Clinical Genetics Services, Murdoch Childrens Research Institute
Classification: Uncertain significance for Leigh syndrome. Last evaluated: 2019-08-28. Review status: criteria provided, single submitter. Criteria: ACMG Guidelines, 2015. Collection method: clinical testing. Allele origin: germline. Inheritance: Autosomal recessive inheritance. Affected: yes.
Comment: A heterozygous missense variant was identified, NM_133259.3(LRPPRC):c.121C>T in exon 1 of 38 of the LRPPRC gene. This substitution is predicted to create a moderate amino acid change from proline to serine at position 41 of the protein, NP_573566.2(LRPPRC):p.(Pro41Ser). The proline at this position has low conservation (100 vertebrates, UCSC), but is located within the Mitochondrion transit peptide domain. In silico software predicts this variant to be benign (PolyPhen, SIFT, CADD, MutationTaster). The variant is not present in the gnomAD population database. The variant has not previously been reported in clinical cases. Based on information available at the time of curation, this variant has been classified as a VARIANT of UNCERTAIN SIGNIFICANCE (VUS) with LOW CLINICAL RELEVANCE.

NM_133259.4(LRPPRC):c.121C>T (p.Pro41Ser)

Gene: LRPPRC (leucine rich pentatricopeptide repeat containing; minus strand). Cytogenetic location: 2p21.
Variant type: single nucleotide variant.
Coding change: c.121C>T on transcript NM_133259.4 (MANE Select); coding-DNA position 121, C replaced by T.
Protein change: p.Pro41Ser; replaces proline 41 with serine.
Molecular consequence: missense variant.
Genome position (GRCh38, 1-based): chr2:43,995,827, G>A on the plus strand (C>T on the coding strand, the complement: LRPPRC is on the minus strand). VCF-style: chr2-43995827-G-A. GRCh37 (hg19) VCF-style: chr2-44222966-G-A.
Other names: short protein forms P41S.
Identifiers: ClinVar variation 1699214 (VCV001699214.3), dbSNP rs908473003, ClinGen allele CA46458319.
Genomic context (GRCh38, chr2:43,995,827, plus strand): 5'-AGCTTGCCTGGAGAAAGGGCCTGGGCACTCACCCGGCCACGGGCCCGGCGCGAGCGGCGG[G>A]CAGATAGGAGGCGGCATGCAGCCGGCCCGGGCCGCCAGGGAGGAGGCGCAGGGAGAGCGG-3'
Protein context (NP_573566.2, residues 31-51): PGRLHAASYL[Pro41Ser]AARAGPVAGG